The following is an entry in ClinVar:

ClinVar aggregate classification (germline): Uncertain significance (1 of 4 stars; one submission).

Conditions:
Dilated cardiomyopathy 1G (CMD1G). Identifiers: Orphanet 154, MedGen C1858763, MONDO:0011400, OMIM 604145.
Autosomal recessive limb-girdle muscular dystrophy type 2J (LGMDR10). Also called: Limb-girdle muscular dystrophy, type 2J; MUSCULAR DYSTROPHY, LIMB-GIRDLE, AUTOSOMAL RECESSIVE 10. Identifiers: Orphanet 140922, MedGen C1837342, MONDO:0012127, OMIM 608807.

Allele frequency attached by ClinVar (database versions not stated): ExAC 0.00001; gnomAD exomes 0.00001.
gnomAD v4.1: 5 of 1,613,698 alleles (0.00031%); highest among the groups gnomAD compares: East Asian, 0.0022%; no homozygotes.

Submission:

Labcorp Genetics (formerly Invitae), Labcorp
Classification: Uncertain significance for Dilated cardiomyopathy 1G; Autosomal recessive limb-girdle muscular dystrophy type 2J. Last evaluated: 2020-09-17. Review status: criteria provided, single submitter. Criteria: Invitae Variant Classification Sherloc (09022015). Collection method: clinical testing. Allele origin: germline.
Comment: This variant is located in the M band of TTN (PMID: 25589632). Variants in this region may be relevant for neuromuscular disorders, but have not been definitively shown to cause cardiomyopathy (PMID: 23975875). In summary, the available evidence is currently insufficient to determine the role of this variant in disease. Therefore, it has been classified as a Variant of Uncertain Significance. Algorithms developed to predict the effect of missense changes on protein structure and function are unavailable for the TTN gene. This variant has not been reported in the literature in individuals with TTN-related conditions. This variant is present in population databases (rs781516399, ExAC 0.01%). This sequence change replaces arginine with cysteine at codon 33835 of the TTN protein (p.Arg33835Cys). There is a large physicochemical difference between arginine and cysteine.

Literature cited by the submitters: PubMed 25589632; PubMed 23975875.

NM_001267550.2(TTN):c.101503C>T (p.Arg33835Cys)

Genes: TTN (titin; minus strand), TTN-AS1 (TTN antisense RNA 1; plus strand). Cytogenetic location: 2q31.2.
Variant type: single nucleotide variant.
Coding change: c.101503C>T on transcript NM_001267550.2 (MANE Select); coding-DNA position 101503, C replaced by T.
Protein change: p.Arg33835Cys; replaces arginine 33835 with cysteine.
Molecular consequence: missense variant.
Genome position (GRCh38, 1-based): chr2:178,535,112, G>A on the plus strand (C>T on the coding strand, the complement: TTN is on the minus strand). VCF-style: chr2-178535112-G-A. GRCh37 (hg19) VCF-style: chr2-179399839-G-A.
Other names: c.96580C>T, p.Arg32194Cys (NM_001256850.1); c.74308C>T, p.Arg24770Cys (NM_003319.4); c.93799C>T, p.Arg31267Cys (NM_133378.4); c.74683C>T, p.Arg24895Cys (NM_133432.3); c.74884C>T, p.Arg24962Cys (NM_133437.4); short protein forms R24770C, R24895C, R24962C, R31267C, R32194C, R33835C.
Identifiers: ClinVar variation 1000967 (VCV001000967.7), dbSNP rs781516399, ClinGen allele CA1985876.